The following is an entry in ClinVar:

NM_000489.6(ATRX):c.6924T>C (p.Tyr2308=)

Gene: ATRX (ATRX chromatin remodeler; minus strand). Cytogenetic location: Xq21.1.
Variant type: single nucleotide variant.
Coding change: c.6924T>C on transcript NM_000489.6 (MANE Select); coding-DNA position 6924, T replaced by C.
Protein change: p.Tyr2308=; no amino-acid change (tyrosine 2308 retained).
Molecular consequence: synonymous variant.
Genome position (GRCh38, 1-based): chrX:77,522,314, A>G on the plus strand (T>C on the coding strand, the complement: ATRX is on the minus strand). VCF-style: chrX-77522314-A-G. GRCh37 (hg19) VCF-style: chrX-76777792-A-G.
Other names: c.6924T>C (NM_000489.4); c.6810T>C, p.Tyr2270= (NM_138270.5).
Identifiers: ClinVar variation 1166964 (VCV001166964.11), dbSNP rs139457986, ClinGen allele CA10457444.

ClinVar aggregate classification (germline): Benign. Review status: criteria provided, single submitter (1 of 4 stars). 2 submissions from 2 submitters: Benign (1). 1 of the submissions does not count toward it. Last evaluated 2025-12-16.

Conditions:
ATRX-related disorder. Also called: ATRX-related condition.
Alpha thalassemia-X-linked intellectual disability syndrome (ATRX). Also called: X-linked alpha-thalassemia-mental retardation syndrome; ALPHA-THALASSEMIA/IMPAIRED INTELLECTUAL DEVELOPMENT SYNDROME, X-LINKED; ALPHA-THALASSEMIA/MENTAL RETARDATION SYNDROME, X-LINKED; ATR, NONDELETION TYPE; ATR-X syndrome; Alpha thalassemia mental retardation syndrome, nondeletion type, X-linked. Identifiers: Orphanet 847, MedGen C1845055, MONDO:0010519, OMIM 301040.

Allele frequency attached by ClinVar (database versions not stated): ESP Exome Variant Server 0.00009; ExAC 0.00001; gnomAD exomes 0.00002; TOPMed 0.00002; gnomAD 0.00002.
gnomAD v4.1: 27 of 1,208,931 alleles (0.0022%); highest among the groups gnomAD compares: Non-Finnish European, 0.0028%; no homozygotes.

Submissions (2):

Labcorp Genetics (formerly Invitae), Labcorp
Classification: Benign for Alpha thalassemia-X-linked intellectual disability syndrome. Last evaluated: 2025-12-16. Review status: criteria provided, single submitter. Criteria: Invitae Variant Classification Sherloc (09022015). Collection method: clinical testing. Allele origin: germline.

PreventionGenetics, part of Exact Sciences
Classification: Likely benign for ATRX-related condition. Last evaluated: 2019-05-01. Review status: no assertion criteria provided. Collection method: clinical testing. Allele origin: germline. Not counted in ClinVar's aggregate classification.
Comment: This variant is classified as likely benign based on ACMG/AMP sequence variant interpretation guidelines (Richards et al. 2015 PMID: 25741868, with internal and published modifications).